The following is an entry in ClinVar:

NM_022095.4(ZNF335):c.2703C>T (p.Ser901=)

Gene: ZNF335 (zinc finger protein 335; minus strand). Cytogenetic location: 20q13.12.
Variant type: single nucleotide variant.
Coding change: c.2703C>T on transcript NM_022095.4 (MANE Select); coding-DNA position 2703, C replaced by T.
Protein change: p.Ser901=; no amino-acid change (serine 901 retained).
Molecular consequence: synonymous variant.
Genome position (GRCh38, 1-based): chr20:45,952,709, G>A on the plus strand (C>T on the coding strand, the complement: ZNF335 is on the minus strand). VCF-style: chr20-45952709-G-A. GRCh37 (hg19) VCF-style: chr20-44581348-G-A.
Identifiers: ClinVar variation 130799 (VCV000130799.19), dbSNP rs3746504, ClinGen allele CA156086.

ClinVar aggregate classification (germline): Benign. Review status: criteria provided, multiple submitters, no conflicts (2 of 4 stars). 5 submissions from 5 submitters: Benign (4). 1 of the submissions does not count toward it. Last evaluated 2026-02-01.

Conditions:
Microcephalic primordial dwarfism due to ZNF335 deficiency. Also called: Primary autosomal recessive microcephaly 10. Identifiers: Orphanet 329228, MedGen C3554499, MONDO:0014043, OMIM 615095.

Allele frequency attached by ClinVar (database versions not stated): ESP Exome Variant Server 0.03568; ExAC 0.03994; gnomAD exomes 0.04038 and 0.01512; 1000 Genomes Project 0.09225; gnomAD 0.03894 and 0.04113; TOPMed 0.04563; 1000 Genomes Project 30x 0.09072.
gnomAD v4.1: 29,048 of 1,613,314 alleles (1.8%); highest among the groups gnomAD compares: East Asian, 22%; 1,852 homozygotes.

Submissions (5):

Labcorp Genetics (formerly Invitae), Labcorp
Classification: Benign. Last evaluated: 2026-02-01. Review status: criteria provided, single submitter. Criteria: Invitae Variant Classification Sherloc (09022015). Collection method: clinical testing. Allele origin: germline.

Genome-Nilou Lab
Classification: Benign for Microcephalic primordial dwarfism due to ZNF335 deficiency. Last evaluated: 2021-12-05. Review status: criteria provided, single submitter. Criteria: ACMG Guidelines, 2015. Collection method: clinical testing. Allele origin: germline. Affected: no.

GeneDx
Classification: Benign. Last evaluated: 2018-09-11. Review status: criteria provided, single submitter. Criteria: GeneDx Variant Classification Process June 2021. Collection method: clinical testing. Allele origin: germline. Affected: yes.

Breakthrough Genomics
Classification: Benign. Review status: criteria provided, single submitter. Criteria: ACMG Guidelines, 2015. Collection method: not provided. Allele origin: germline. Inheritance: Autosomal recessive inheritance. Affected: yes.

Genetic Services Laboratory, University of Chicago
Classification: Likely benign for AllHighlyPenetrant. Review status: no assertion criteria provided. Collection method: clinical testing. Allele origin: germline. Inheritance: Autosomal recessive inheritance. Not counted in ClinVar's aggregate classification.
Comment: Likely benign based on allele frequency in 1000 Genomes Project or ESP global frequency and its presence in a patient with a rare or unrelated disease phenotype. NOT Sanger confirmed.